The following is an entry in ClinVar:

ClinVar aggregate classification (germline): Uncertain significance (1 of 4 stars; one submission).

Conditions:
Charcot-Marie-Tooth disease type 4. Also called: Charcot-Marie-Tooth disease, type IV; Charcot-Marie-Tooth, Type 4. Identifiers: Orphanet 64749, MedGen C4082197, MONDO:0018995.

gnomAD v4.1: 1 of 1,612,782 alleles (0.000062%); highest among the groups gnomAD compares: Non-Finnish European, 0.000085%; no homozygotes.

Submission:

Labcorp Genetics (formerly Invitae), Labcorp
Classification: Uncertain significance for Charcot-Marie-Tooth disease type 4. Last evaluated: 2016-09-26. Review status: criteria provided, single submitter. Criteria: Invitae Variant Classification Sherloc (09022015). Collection method: clinical testing. Allele origin: germline.
Comment: This sequence change replaces arginine with proline at codon 1037 of the SBF2 protein (p.Arg1037Pro). The arginine residue is moderately conserved and there is a moderate physicochemical difference between arginine and proline. It also falls at the last nucleotide of exon 24 of the SBF2 mRNA. This variant is not present in population databases (ExAC no frequency) and has not been reported in the literature in individuals with a SBF2-related disease ClinVar contains an entry for this variant (Variation ID: 188198). Algorithms developed to predict the effect of missense changes on protein structure and function do not agree on the potential impact of this missense change (SIFT: "Deleterious"; PolyPhen-2: "Possibly Damaging"; Align-GVGD: "Class C0"). Algorithms developed to predict the effect of this changes on mRNA splicing suggest that this sequence change may alter mRNA splicing, but this prediction has not been confirmed by published transcriptional studies. In summary, this is a novel missense change at the end of the exon with uncertain impact on protein function and splicing. It has been classified as a Variant of Uncertain Significance.

NM_030962.4(SBF2):c.3110G>C (p.Arg1037Pro)

Genes: SBF2 (SET binding factor 2; minus strand), LOC101928008 (uncharacterized LOC101928008; plus strand). Cytogenetic location: 11p15.4.
Variant type: single nucleotide variant.
Coding change: c.3110G>C on transcript NM_030962.4 (MANE Select); coding-DNA position 3110, G replaced by C.
Protein change: p.Arg1037Pro; replaces arginine 1037 with proline.
Molecular consequence: missense variant.
Genome position (GRCh38, 1-based): chr11:9,845,565, C>G on the plus strand (G>C on the coding strand, the complement: SBF2 is on the minus strand). VCF-style: chr11-9845565-C-G. GRCh37 (hg19) VCF-style: chr11-9867112-C-G.
Other names: c.3110G>C, p.Arg1037Pro (NM_001386339.1); c.2981G>C, p.Arg994Pro (NM_001386342.1); short protein forms R1037P, R994P.
Identifiers: ClinVar variation 188198 (VCV000188198.10), dbSNP rs748477865, ClinGen allele CA334292.